The following is an entry in ClinVar:

ClinVar aggregate classification (germline): Uncertain significance (1 of 4 stars; one submission).

Conditions:
Early-infantile DEE. Also called: Early infantile epileptic encephalopathy; Ohtahara syndrome; Early infantile epileptic encephalopathy with suppression bursts. Identifiers: Orphanet 1934, MedGen C0393706, MONDO:0800491.

Submission:

Labcorp Genetics (formerly Invitae), Labcorp
Classification: Uncertain significance for Early-infantile DEE. Last evaluated: 2024-01-08. Review status: criteria provided, single submitter. Criteria: Invitae Variant Classification Sherloc (09022015). Collection method: clinical testing. Allele origin: germline.
Comment: This sequence change falls in intron 7 of the GNAO1 gene. It does not directly change the encoded amino acid sequence of the GNAO1 protein. It affects a nucleotide within the consensus splice site. This variant is not present in population databases (gnomAD no frequency). This variant has not been reported in the literature in individuals affected with GNAO1-related conditions. ClinVar contains an entry for this variant (Variation ID: 2020178). Variants that disrupt the consensus splice site are a relatively common cause of aberrant splicing (PMID: 17576681, 9536098). Algorithms developed to predict the effect of sequence changes on RNA splicing suggest that this variant is not likely to affect RNA splicing. In summary, the available evidence is currently insufficient to determine the role of this variant in disease. Therefore, it has been classified as a Variant of Uncertain Significance.

Literature cited by the submitters: PubMed 17576681; PubMed 9536098.

NM_020988.3(GNAO1):c.877+6T>C

Gene: GNAO1 (G protein subunit alpha o1; plus strand). Cytogenetic location: 16q13.
Variant type: single nucleotide variant.
Coding change: c.877+6T>C on transcript NM_020988.3 (MANE Select); 6 bases into the intron after coding-DNA position 877, T replaced by C.
Molecular consequence: intron variant.
Genome position (GRCh38, 1-based): chr16:56,351,543, T>C. VCF-style: chr16-56351543-T-C. GRCh37 (hg19) VCF-style: chr16-56385455-T-C.
Identifiers: ClinVar variation 2020178 (VCV002020178.4), dbSNP rs2543427423, ClinGen allele CA2580091632.
Genomic context (GRCh38, chr16:56,351,543, plus strand): 5'-TTTGGCGAGAAGATCAAGAAGTCACCTTTGACCATCTGCTTTCCTGAATACACAGGTGGG[T>C]GCCAGGCAGTCCTGTGCAGGGGGAAGCCTGCCCCTGACAGGGACCCATGGCTCAGAGAAC-3'